The following is an entry in ClinVar:

NM_000051.4(ATM):c.7789-9del

Genes: ATM (ATM serine/threonine kinase; plus strand), C11orf65 (chromosome 11 open reading frame 65; minus strand). Cytogenetic location: 11q22.3.
Variant type: Deletion.
Coding change: c.7789-9del on transcript NM_000051.4 (MANE Select); 9 bases into the intron before coding-DNA position 7789, one base deleted (T; older notation c.7789-9delT).
Molecular consequence: intron variant.
Genome position (GRCh38, 1-based): chr11:108,332,753, T deleted; the last of 6 consecutive T bases (chr11:108,332,748-108,332,753); deleting any one gives the same sequence. VCF-style (leftmost placement, unchanged base first): chr11-108332747-GT-G. GRCh37 (hg19) VCF-style: chr11-108203474-GT-G.
Other names: c.7789-9del (NM_001351834.2); c.641-23677del (NM_001330368.2); c.*38+2472del (NM_001351110.2).
Identifiers: ClinVar variation 3254248 (VCV003254248.1), dbSNP rs1555125203.
Genomic context (GRCh38, chr11:108,332,747, plus strand): 5'-CTTTGTTTTTCTAACTCTGAGAAGTTTAAATGTTGGGTAGTTCCTTATGTAATGTTTTTT[GT>G]TTTTTATTAATAGGATCGAACAGAGGCTGCAAATAGAATAATATGTACTATCAGAAGTAG-3'

ClinVar aggregate classification (germline): Likely benign (1 of 4 stars; one submission).

Conditions:
Familial cancer of breast. Also called: hereditary breast carcinoma; BREAST CANCER, FAMILIAL; Hereditary breast cancer. Identifiers: Orphanet 227535, MedGen C0346153, MONDO:0016419, OMIM 114480. Disease mechanism: loss of function.

Submission:

Myriad Genetics, Inc.
Classification: Likely benign for Familial cancer of breast. Last evaluated: 2024-06-17. Review status: criteria provided, single submitter. Criteria: Myriad Autosomal Dominant, Autosomal Recessive and X-Linked Classification Criteria (2023). Collection method: clinical testing. Allele origin: unknown.
Comment: This variant is considered likely benign. This variant is intronic and is not expected to impact mRNA splicing.